The following is an entry in ClinVar:

ClinVar aggregate classification (germline): Uncertain significance (1 of 4 stars; one submission).

Conditions:
Neuromuscular disease caused by qualitative or quantitative defects of dysferlin. Also called: Dysferlinopathy; Qualitative or quantitative defects of dysferlin. Identifiers: Orphanet 207073, MedGen C2931687, MONDO:0016145.

Submission:

Labcorp Genetics (formerly Invitae), Labcorp
Classification: Uncertain significance for Neuromuscular disease caused by qualitative or quantitative defects of dysferlin. Last evaluated: 2022-07-12. Review status: criteria provided, single submitter. Criteria: Invitae Variant Classification Sherloc (09022015). Collection method: clinical testing. Allele origin: germline.
Comment: ClinVar contains an entry for this variant (Variation ID: 1046400). Advanced modeling of protein sequence and biophysical properties (such as structural, functional, and spatial information, amino acid conservation, physicochemical variation, residue mobility, and thermodynamic stability) performed at Invitae indicates that this missense variant is not expected to disrupt DYSF protein function. In summary, the available evidence is currently insufficient to determine the role of this variant in disease. Therefore, it has been classified as a Variant of Uncertain Significance. This variant has not been reported in the literature in individuals affected with DYSF-related conditions. This sequence change replaces serine, which is neutral and polar, with phenylalanine, which is neutral and non-polar, at codon 732 of the DYSF protein (p.Ser732Phe). This variant is not present in population databases (gnomAD no frequency).

NM_001130987.2(DYSF):c.2249C>T (p.Ser750Phe)

Gene: DYSF (dysferlin; plus strand). Cytogenetic location: 2p13.2.
Variant type: single nucleotide variant.
Coding change: c.2249C>T on transcript NM_001130987.2 (MANE Select); coding-DNA position 2249, C replaced by T.
Protein change: p.Ser750Phe; replaces serine 750 with phenylalanine.
Molecular consequence: missense variant.
Genome position (GRCh38, 1-based): chr2:71,561,784, C>T. VCF-style: chr2-71561784-C-T. GRCh37 (hg19) VCF-style: chr2-71788914-C-T.
Other names: c.2246C>T, p.Ser749Phe (NM_001130980.2, NM_001130981.2); c.2291C>T, p.Ser764Phe (NM_001130982.2); c.2198C>T, p.Ser733Phe (NM_001130983.2, NM_001130455.2); c.2156C>T, p.Ser719Phe (NM_001130984.2, NM_001130986.2); c.2249C>T, p.Ser750Phe (NM_001130985.2); c.2195C>T, p.Ser732Phe (NM_003494.4, NM_001130978.2); c.2153C>T, p.Ser718Phe (NM_001130976.2, NM_001130977.2); c.2288C>T, p.Ser763Phe (NM_001130979.2); short protein forms S750F, S763F, S718F, S749F, S732F, S733F, S764F, S719F.
Identifiers: ClinVar variation 1046400 (VCV001046400.8), dbSNP rs2091788398, ClinGen allele CA347208781.